The following is an entry in ClinVar:

ClinVar aggregate classification (germline): Likely benign (0 of 4 stars; one submission).

Conditions:
GATA3-related disorder. Also called: GATA3-related condition.

Submission:

PreventionGenetics, part of Exact Sciences
Classification: Likely benign for GATA3-related condition. Last evaluated: 2024-01-31. Review status: no assertion criteria provided. Collection method: clinical testing. Allele origin: germline.
Comment: This variant is classified as likely benign based on ACMG/AMP sequence variant interpretation guidelines (Richards et al. 2015 PMID: 25741868, with internal and published modifications).

NM_001002295.2(GATA3):c.1134A>G (p.Lys378=)

Gene: GATA3 (GATA binding protein 3; plus strand). Cytogenetic location: 10p14.
Variant type: single nucleotide variant.
Coding change: c.1134A>G on transcript NM_001002295.2 (MANE Select); coding-DNA position 1134, A replaced by G.
Protein change: p.Lys378=; no amino-acid change (lysine 378 retained).
Molecular consequence: synonymous variant.
Genome position (GRCh38, 1-based): chr10:8,073,822, A>G. VCF-style: chr10-8073822-A-G. GRCh37 (hg19) VCF-style: chr10-8115785-A-G.
Other names: c.1131A>G, p.Lys377= (NM_002051.3).
Identifiers: ClinVar variation 3061457 (VCV003061457.2), dbSNP rs2131520820, ClinGen allele CA468400759.